The following is an entry in ClinVar:

ClinVar aggregate classification (germline): Likely benign (1 of 4 stars; one submission).

Conditions:
Congenital cataracts-facial dysmorphism-neuropathy syndrome (CCFDN). Also called: CATARACT, CONGENITAL, WITH FACIAL DYSMORPHISM AND NEUROPATHY; CTDP1-Related Congenital Cataracts, Facial Dysmorphism, and Neuropathy. Identifiers: Orphanet 48431, MedGen C1858726, MONDO:0011402, OMIM 604168.

Allele frequency attached by ClinVar (database versions not stated): gnomAD exomes below 0.00001; TOPMed below 0.00001.
gnomAD v4.1: 1 of 1,549,478 alleles (0.000065%); highest among the groups gnomAD compares: Non-Finnish European, 0.000087%; no homozygotes.

Submission:

Centre for Mendelian Genomics, University Medical Centre Ljubljana
Classification: Likely benign for Congenital cataracts-facial dysmorphism-neuropathy syndrome. Last evaluated: 2018-11-21. Review status: criteria provided, single submitter. Criteria: ACMG Guidelines, 2015. Collection method: clinical testing. Allele origin: unknown. Affected: yes.
Comment: This variant was classified as: Likely benign. The following ACMG criteria were applied in classifying this variant: PM2,BP1,BP4.

NM_004715.5(CTDP1):c.2649G>A (p.Glu883=)

Gene: CTDP1 (CTD phosphatase subunit 1; plus strand). Cytogenetic location: 18q23.
Variant type: single nucleotide variant.
Coding change: c.2649G>A on transcript NM_004715.5 (MANE Select); coding-DNA position 2649, G replaced by A.
Protein change: p.Glu883=; no amino-acid change (glutamic acid 883 retained).
Molecular consequence: synonymous variant. On other transcripts: missense variant (1), intron variant (1).
Genome position (GRCh38, 1-based): chr18:79,736,423, G>A. VCF-style: chr18-79736423-G-A. GRCh37 (hg19) VCF-style: chr18-77496423-G-A.
Other names: c.2292G>A, p.Glu764= (NM_001202504.1); c.2486G>A, p.Arg829Lys (NM_048368.4); c.2580+7354G>A (NM_001318511.2); short protein forms R829K.
Identifiers: ClinVar variation 931410 (VCV000931410.3), dbSNP rs2086667654, ClinGen allele CA402834515.